The following is an entry in ClinVar:

ClinVar aggregate classification (germline): Likely benign (1 of 4 stars; one submission).

Allele frequency attached by ClinVar (database versions not stated): 1000 Genomes Project 30x 0.00062; 1000 Genomes Project 0.00080; ESP Exome Variant Server 0.00091.
gnomAD v4.1: 495 of 1,586,838 alleles (0.031%); highest among the groups gnomAD compares: African/African-American, 0.38%; 27 homozygotes.

Submission:

CeGaT Center for Human Genetics Tuebingen
Classification: Likely benign. Last evaluated: 2023-06-01. Review status: criteria provided, single submitter. Criteria: CeGaT Center For Human Genetics Tuebingen Variant Classification Criteria Version 2. Collection method: clinical testing. Allele origin: germline. Affected: yes. Observed: 1 variant allele.
Comment: AHNAK2: BP4, BS2

NM_138420.4(AHNAK2):c.5036C>A (p.Ala1679Asp)

Gene: AHNAK2 (AHNAK nucleoprotein 2; minus strand). Cytogenetic location: 14q32.33.
Variant type: single nucleotide variant.
Coding change: c.5036C>A on transcript NM_138420.4 (MANE Select); coding-DNA position 5036, C replaced by A.
Protein change: p.Ala1679Asp; replaces alanine 1679 with aspartic acid.
Molecular consequence: missense variant.
Genome position (GRCh38, 1-based): chr14:104,950,415, G>T on the plus strand (C>A on the coding strand, the complement: AHNAK2 is on the minus strand). VCF-style: chr14-104950415-G-T. GRCh37 (hg19) VCF-style: chr14-105416752-G-T.
Other names: c.4736C>A, p.Ala1579Asp (NM_001350929.2); short protein forms A1579D, A1679D.
Identifiers: ClinVar variation 2644810 (VCV002644810.24), dbSNP rs11852054, ClinGen allele CA7382051.